The following is an entry in ClinVar:

ClinVar aggregate classification (germline): Uncertain significance (1 of 4 stars; one submission).

Conditions:
Benign neonatal seizures. Also called: Benign familial neonatal seizures; Benign familial neonatal epilepsy; Convulsions benign familial neonatal dominant form; Autosomal dominant form of benign neonatal seizures; Benign neonatal familial convulsions. Identifiers: Orphanet 1949, MedGen C0220669, MONDO:0016027.

gnomAD v4.1: 2 of 1,539,026 alleles (0.00013%); highest among the groups gnomAD compares: African/African-American, 0.0014%; no homozygotes.

Submission:

Labcorp Genetics (formerly Invitae), Labcorp
Classification: Uncertain significance for Benign neonatal seizures. Last evaluated: 2025-05-02. Review status: criteria provided, single submitter. Criteria: Invitae Variant Classification Sherloc (09022015). Collection method: clinical testing. Allele origin: germline.
Comment: This sequence change replaces leucine, which is neutral and non-polar, with proline, which is neutral and non-polar, at codon 45 of the KCNQ3 protein (p.Leu45Pro). This variant is present in population databases (no rsID available, gnomAD 0.004%). This variant has not been reported in the literature in individuals affected with KCNQ3-related conditions. Invitae Evidence Modeling of protein sequence and biophysical properties (such as structural, functional, and spatial information, amino acid conservation, physicochemical variation, residue mobility, and thermodynamic stability) indicates that this missense variant is not expected to disrupt KCNQ3 protein function with a negative predictive value of 95%. In summary, the available evidence is currently insufficient to determine the role of this variant in disease. Therefore, it has been classified as a Variant of Uncertain Significance.

NM_004519.4(KCNQ3):c.134T>C (p.Leu45Pro)

Gene: KCNQ3 (potassium voltage-gated channel subfamily Q member 3; minus strand). Cytogenetic location: 8q24.22.
Variant type: single nucleotide variant.
Coding change: c.134T>C on transcript NM_004519.4 (MANE Select); coding-DNA position 134, T replaced by C.
Protein change: p.Leu45Pro; replaces leucine 45 with proline.
Molecular consequence: missense variant.
Genome position (GRCh38, 1-based): chr8:132,480,399, A>G on the plus strand (T>C on the coding strand, the complement: KCNQ3 is on the minus strand). VCF-style: chr8-132480399-A-G. GRCh37 (hg19) VCF-style: chr8-133492646-A-G.
Other names: short protein forms L45P.
Identifiers: ClinVar variation 4802766 (VCV004802766.1).